The following is an entry in ClinVar:

NM_006231.4(POLE):c.3941G>T (p.Gly1314Val)

Gene: POLE (DNA polymerase epsilon, catalytic subunit; minus strand). Cytogenetic location: 12q24.33.
Variant type: single nucleotide variant.
Coding change: c.3941G>T on transcript NM_006231.4 (MANE Select); coding-DNA position 3941, G replaced by T.
Protein change: p.Gly1314Val; replaces glycine 1314 with valine.
Molecular consequence: missense variant.
Genome position (GRCh38, 1-based): chr12:132,649,370, C>A on the plus strand (G>T on the coding strand, the complement: POLE is on the minus strand). VCF-style: chr12-132649370-C-A. GRCh37 (hg19) VCF-style: chr12-133225956-C-A.
Other names: short protein forms G1314V.
Identifiers: ClinVar variation 3781577 (VCV003781577.1).

ClinVar aggregate classification (germline): Uncertain significance (1 of 4 stars; one submission).

Conditions:
Hereditary cancer-predisposing syndrome. Also called: Neoplastic Syndromes, Hereditary; Hereditary Cancer Syndrome; Tumor predisposition; Hereditary neoplastic syndrome. Identifiers: Orphanet 140162, MedGen C0027672, MeSH D009386, MONDO:0015356.

Submission:

Ambry Genetics
Classification: Uncertain significance for Hereditary cancer-predisposing syndrome. Last evaluated: 2025-02-02. Review status: criteria provided, single submitter. Criteria: Ambry Variant Classification Scheme 2023. Collection method: clinical testing. Allele origin: germline.
Comment: The p.G1314V variant (also known as c.3941G>T), located in coding exon 31 of the POLE gene, results from a G to T substitution at nucleotide position 3941. The glycine at codon 1314 is replaced by valine, an amino acid with dissimilar properties. This amino acid position is conserved. In addition, the in silico prediction for this alteration is inconclusive. Based on the available evidence, the clinical significance of this variant remains unclear.